The following is an entry in ClinVar:

ClinVar aggregate classification (germline): Uncertain significance. Review status: criteria provided, multiple submitters, no conflicts (2 of 4 stars). 2 submissions from 2 submitters: Uncertain significance (2). Last evaluated 2025-12-09.

Conditions:
Primary ciliary dyskinesia. Also called: Ciliary dyskinesia. Identifiers: Orphanet 244, MedGen C0008780, MONDO:0016575, HP:0012265.

gnomAD v4.1: 1 of 1,613,728 alleles (0.000062%); highest among the groups gnomAD compares: Non-Finnish European, 0.000085%; no homozygotes.

Submissions (2):

Ambry Genetics
Classification: Uncertain significance for Primary ciliary dyskinesia. Last evaluated: 2025-12-09. Review status: criteria provided, single submitter. Criteria: Ambry Variant Classification Scheme 2023. Collection method: clinical testing. Allele origin: germline.

Labcorp Genetics (formerly Invitae), Labcorp
Classification: Uncertain significance for Primary ciliary dyskinesia. Last evaluated: 2024-04-18. Review status: criteria provided, single submitter. Criteria: Invitae Variant Classification Sherloc (09022015). Collection method: clinical testing. Allele origin: germline.
Comment: This sequence change replaces arginine, which is basic and polar, with threonine, which is neutral and polar, at codon 2139 of the DNAH11 protein (p.Arg2139Thr). This variant is not present in population databases (gnomAD no frequency). This variant has not been reported in the literature in individuals affected with DNAH11-related conditions. Advanced modeling of protein sequence and biophysical properties (such as structural, functional, and spatial information, amino acid conservation, physicochemical variation, residue mobility, and thermodynamic stability) performed at Invitae indicates that this missense variant is not expected to disrupt DNAH11 protein function with a negative predictive value of 95%. In summary, the available evidence is currently insufficient to determine the role of this variant in disease. Therefore, it has been classified as a Variant of Uncertain Significance.

NM_001277115.2(DNAH11):c.6416G>C (p.Arg2139Thr)

Gene: DNAH11 (dynein axonemal heavy chain 11; plus strand). Cytogenetic location: 7p15.3.
Variant type: single nucleotide variant.
Coding change: c.6416G>C on transcript NM_001277115.2 (MANE Select); coding-DNA position 6416, G replaced by C.
Protein change: p.Arg2139Thr; replaces arginine 2139 with threonine.
Molecular consequence: missense variant.
Genome position (GRCh38, 1-based): chr7:21,704,576, G>C. VCF-style: chr7-21704576-G-C. GRCh37 (hg19) VCF-style: chr7-21744194-G-C.
Other names: c.6416G>C (NM_001277115.1); short protein forms R2139T.
Identifiers: ClinVar variation 3604512 (VCV003604512.2).